The following is an entry in ClinVar:

NM_000088.4(COL1A1):c.1369C>T (p.Gln457Ter)

Gene: COL1A1 (collagen type I alpha 1 chain; minus strand). Cytogenetic location: 17q21.33.
Variant type: single nucleotide variant.
Coding change: c.1369C>T on transcript NM_000088.4 (MANE Select); coding-DNA position 1369, C replaced by T.
Protein change: p.Gln457Ter; replaces glutamine 457 with a stop codon.
Molecular consequence: nonsense.
Genome position (GRCh38, 1-based): chr17:50,194,813, G>A on the plus strand (C>T on the coding strand, the complement: COL1A1 is on the minus strand). VCF-style: chr17-50194813-G-A. GRCh37 (hg19) VCF-style: chr17-48272174-G-A.
Other names: short protein forms Q457*.
Identifiers: ClinVar variation 526856 (VCV000526856.11), dbSNP rs1228746935, ClinGen allele CA400218459.

ClinVar aggregate classification (germline): Pathogenic. Review status: criteria provided, multiple submitters, no conflicts (2 of 4 stars). 3 submissions from 3 submitters: Pathogenic (3). Last evaluated 2026-04-07.

Conditions:
Osteogenesis imperfecta type I (OI1). Also called: Osteogenesis imperfecta type 1; Lobstein's Disease; Lobstein disease; OI, TYPE I; OSTEOGENESIS IMPERFECTA TARDA; OSTEOGENESIS IMPERFECTA WITH BLUE SCLERAE. Identifiers: Orphanet 216796, Orphanet 666, MedGen C0023931, MONDO:0008146, OMIM 166200. Disease mechanism: loss of function.

Submissions (3):

Dasa
Classification: Pathogenic. Last evaluated: 2026-04-07. Review status: criteria provided, single submitter. Criteria: DASA Assertion Criteria. Collection method: clinical testing. Allele origin: germline.
Comment: NM_000088.4(COL1A1):c.1369C>T (p.Gln457*) introduces a premature termination codon predicted to result in loss of normal protein function. Loss-of-function is an established mechanism of disease for this gene. De novo occurrence has been reported in an individual with related phenotype. This variant has been reported in individuals with related phenotype (PMID: 37079061). The variant is present at low frequency in population datasets. Based on the available data, this variant is classified as pathogenic.

GeneDx
Classification: Pathogenic. Last evaluated: 2024-04-11. Review status: criteria provided, single submitter. Criteria: GeneDx Variant Classification Process June 2021. Collection method: clinical testing. Allele origin: germline. Affected: yes.
Comment: Nonsense variant predicted to result in protein truncation or nonsense mediated decay in a gene for which loss of function is a known mechanism of disease; Not observed at significant frequency in large population cohorts (gnomAD); This variant is associated with the following publications: (PMID: 37079061)

Labcorp Genetics (formerly Invitae), Labcorp
Classification: Pathogenic for Osteogenesis imperfecta type I. Last evaluated: 2017-11-30. Review status: criteria provided, single submitter. Criteria: Invitae Variant Classification Sherloc (09022015). Collection method: clinical testing. Allele origin: germline.
Comment: This variant is not present in population databases (ExAC no frequency). This sequence change creates a premature translational stop signal (p.Gln457*) in the COL1A1 gene. It is expected to result in an absent or disrupted protein product. This variant has not been reported in the literature in individuals with COL1A1-related disease. For these reasons, this variant has been classified as Pathogenic. Loss-of-function variants in COL1A1 are known to be pathogenic (PMID: 7942841, 9295084, 9443882).

Literature cited by the submitters: PubMed 37079061 (cited by Dasa); PubMed 7942841 (cited by Labcorp Genetics (formerly Invitae), Labcorp); PubMed 9295084 (cited by Labcorp Genetics (formerly Invitae), Labcorp); PubMed 9443882 (cited by Labcorp Genetics (formerly Invitae), Labcorp).